The following is an entry in ClinVar:

ClinVar aggregate classification (germline): Likely pathogenic (1 of 4 stars; one submission).

Conditions:
Hereditary diffuse gastric adenocarcinoma (HDGC). Also called: DIFFUSE GASTRIC AND LOBULAR BREAST CANCER SYNDROME. Identifiers: Orphanet 26106, MedGen C1708349, MONDO:0007648, OMIM 137215.
Familial cancer of breast. Also called: hereditary breast carcinoma; Hereditary breast cancer; BREAST CANCER, FAMILIAL. Identifiers: Orphanet 227535, MedGen C0346153, MONDO:0016419, OMIM 114480. Disease mechanism: loss of function.
Ovarian cancer. Also called: OVARIAN CANCER, SOMATIC. Identifiers: Orphanet 213500, MedGen C1140680, MONDO:0008170, OMIM 167000.
Endometrial carcinoma. Also called: Endometrial carcinoma, somatic. Identifiers: MedGen C0476089, MONDO:0002447, OMIM 608089, HP:0012114.
Blepharocheilodontic syndrome 1 (BCDS1). Identifiers: Orphanet 1997, MedGen C4551988, MONDO:0054740, OMIM 119580.

Submission:

Juno Genomics, Hangzhou Juno Genomics, Inc
Classification: Likely pathogenic for Blepharocheilodontic syndrome 1; Familial cancer of breast; Hereditary diffuse gastric adenocarcinoma; Endometrial carcinoma; Ovarian cancer. Review status: criteria provided, single submitter. Criteria: ACMG Guidelines, 2015. Collection method: clinical testing. Allele origin: germline.
Comment: Absent from controls (or at extremely low frequency if recessive) in Genome Aggregation Database.;Null variant in a gene where loss of function (LOF) is a known mechanism of disease.

NM_004360.5(CDH1):c.164-3_164-2delinsTT

Gene: CDH1 (cadherin 1; plus strand). Cytogenetic location: 16q22.1.
Variant type: Indel.
Coding change: c.164-3_164-2delinsTT on transcript NM_004360.5 (MANE Select); 3 bases into the intron before coding-DNA position 164 through the canonical splice acceptor site of the intron before coding-DNA position 164, CA replaced by TT.
Molecular consequence: splice acceptor variant.
Genome position (GRCh38, 1-based): chr16:68,801,667-68,801,668, CA replaced by TT. VCF-style: chr16-68801667-CA-TT. GRCh37 (hg19) VCF-style: chr16-68835570-CA-TT.
Other names: c.-1452-3_-1452-2delinsTT (NM_001317185.2); c.-1656-3_-1656-2delinsTT (NM_001317186.2); c.164-3_164-2delinsTT (NM_001317184.2).
Identifiers: ClinVar variation 5007646 (VCV005007646.2).